The following is an entry in ClinVar:

NM_019066.5(MAGEL2):c.3559C>T (p.Arg1187Ter)

Gene: MAGEL2 (MAGE family member L2; minus strand). Cytogenetic location: 15q11.2.
Variant type: single nucleotide variant.
Coding change: c.3559C>T on transcript NM_019066.5 (MANE Select); coding-DNA position 3559, C replaced by T.
Protein change: p.Arg1187Ter; replaces arginine 1187 with a stop codon.
Molecular consequence: nonsense.
Genome position (GRCh38, 1-based): chr15:23,644,184, G>A on the plus strand (C>T on the coding strand, the complement: MAGEL2 is on the minus strand). VCF-style: chr15-23644184-G-A. GRCh37 (hg19) VCF-style: chr15-23889331-G-A.
Other names: c.3559C>T (NM_019066.4); short protein forms R1187*.
Identifiers: ClinVar variation 1701744 (VCV001701744.4), dbSNP rs368965952, ClinGen allele CA267657574.

ClinVar aggregate classification (germline): Conflicting classifications of pathogenicity. Review status: criteria provided, conflicting classifications (1 of 4 stars). 3 submissions from 3 submitters: Likely pathogenic (2); Uncertain significance (1). Last evaluated 2026-05-05.

Conditions:
MAGEL2-related disorder. Also called: MAGEL2-related condition.
Schaaf-Yang syndrome (SHFYNG). Also called: Arthrogryposis, distal, with hypopituitarism, intellectual disability, and facial anomalies; MAGEL2-related Prader-Willi-like syndrome. Identifiers: Orphanet 398069, MedGen C5575066, MONDO:0014243, OMIM 615547.

Allele frequency attached by ClinVar (database versions not stated): gnomAD exomes below 0.00001; gnomAD 0.00001.
gnomAD v4.1: 5 of 1,613,730 alleles (0.00031%); highest among the groups gnomAD compares: African/African-American, 0.0027%; no homozygotes.

Submissions (3):

GeneDx
Classification: Likely pathogenic. Last evaluated: 2026-05-05. Review status: criteria provided, single submitter. Criteria: GeneDx Variant Classification Process June 2021. Collection method: clinical testing. Allele origin: germline.
Comment: Nonsense variant predicted to result in protein truncation, as the last 63 amino acid(s) are lost, and other loss-of-function variants have been reported downstream in HGMD; Not observed at significant frequency in large population cohorts (gnomAD); Has not been previously published as pathogenic or benign to our knowledge

PreventionGenetics, part of Exact Sciences
Classification: Uncertain significance for MAGEL2-related condition. Last evaluated: 2025-06-23. Review status: criteria provided, single submitter. Criteria: ACMG Guidelines, 2015. Collection method: clinical testing. Allele origin: germline.
Comment: The MAGEL2 c.3559C>T variant is predicted to result in premature protein termination (p.Arg1187*). To our knowledge, this variant has not been reported in the literature. This variant is reported in 0.0065% of alleles in individuals of African descent in gnomAD. While nonsense variants are an established mechanism of disease in MAGEL2, this particular variant is located downstream of the majority of reported cases and therefore the molecular consequences of this variant are unknown. Although we suspect that this variant may be pathogenic, at this time, the clinical significance of this variant is uncertain due to the absence of conclusive functional and genetic evidence.

New York Genome Center
Classification: Likely pathogenic for Schaaf-Yang syndrome. Last evaluated: 2021-09-17. Review status: criteria provided, single submitter. Criteria: NYGC Assertion Criteria 2020. Collection method: clinical testing. Allele origin: inherited. Affected: yes. Observed: 1 heterozygote. Study: CSER-NYCKidSeq.
Comment: The inherited nonsense variant c.3559C>T (p.Arg1187Ter) identified in the MAGEL2 gene has not been reported in affected individuals in the literature. The variant creates a premature stop codon. A downstream nonsense variant c.3607A>T p.K1203Ter) has been reported in a patient with Schaaf-Yang syndrome (PMID: 30302899). The variant has 2 heterozygous individuals in gnomAD(v3) database suggesting it is not a common benign variant in the populations represented in that database. Based on the available evidence, the inherited nonsense variant c.3559C>T (p.Arg1187Ter) identified in the MAGEL2 gene is reported as likely pathogenic.